The following is an entry in ClinVar:

NM_031220.4(PITPNM3):c.1780C>T (p.Arg594Cys)

Gene: PITPNM3 (PITPNM family member 3; minus strand). Cytogenetic location: 17p13.2.
Variant type: single nucleotide variant.
Coding change: c.1780C>T on transcript NM_031220.4 (MANE Select); coding-DNA position 1780, C replaced by T.
Protein change: p.Arg594Cys; replaces arginine 594 with cysteine.
Molecular consequence: missense variant.
Genome position (GRCh38, 1-based): chr17:6,468,335, G>A on the plus strand (C>T on the coding strand, the complement: PITPNM3 is on the minus strand). VCF-style: chr17-6468335-G-A. GRCh37 (hg19) VCF-style: chr17-6371655-G-A.
Other names: c.1780C>T (NM_031220.3); c.1672C>T, p.Arg558Cys (NM_001165966.2); short protein forms R594C, R558C.
Identifiers: ClinVar variation 1422177 (VCV001422177.8), dbSNP rs150769456, ClinGen allele CA8329383.

ClinVar aggregate classification (germline): Conflicting classifications of pathogenicity. Review status: criteria provided, conflicting classifications (1 of 4 stars). 3 submissions from 3 submitters: Uncertain significance (2); Likely benign (1). Last evaluated 2026-01-03.

Allele frequency attached by ClinVar (database versions not stated): TOPMed 0.00006; gnomAD 0.00009 and 0.00010; gnomAD exomes 0.00025; ESP Exome Variant Server 0.00031; ExAC 0.00040.
gnomAD v4.1: 209 of 1,613,926 alleles (0.013%); highest among the groups gnomAD compares: Non-Finnish European, 0.013%; no homozygotes.

Submissions (3):

Labcorp Genetics (formerly Invitae), Labcorp
Classification: Uncertain significance. Last evaluated: 2026-01-03. Review status: criteria provided, single submitter. Criteria: Invitae Variant Classification Sherloc (09022015). Collection method: clinical testing. Allele origin: germline.
Comment: This sequence change replaces arginine, which is basic and polar, with cysteine, which is neutral and slightly polar, at codon 594 of the PITPNM3 protein (p.Arg594Cys). This variant is present in population databases (rs150769456, gnomAD 0.04%), and has an allele count higher than expected for a pathogenic variant. This variant has not been reported in the literature in individuals affected with PITPNM3-related conditions. ClinVar contains an entry for this variant (Variation ID: 1422177). Invitae Evidence Modeling of protein sequence and biophysical properties (such as structural, functional, and spatial information, amino acid conservation, physicochemical variation, residue mobility, and thermodynamic stability) indicates that this missense variant is not expected to disrupt PITPNM3 protein function with a negative predictive value of 80%. In summary, the available evidence is currently insufficient to determine the role of this variant in disease. Therefore, it has been classified as a Variant of Uncertain Significance.

Ambry Genetics
Classification: Uncertain significance. Last evaluated: 2025-05-21. Review status: criteria provided, single submitter. Criteria: Ambry Variant Classification Scheme 2023. Collection method: clinical testing. Allele origin: germline.

Blueprint Genetics
Classification: Likely benign. Last evaluated: 2024-06-07. Review status: criteria provided, single submitter. Criteria: ACMG Guidelines, 2015. Collection method: clinical testing. Allele origin: germline.